The following is an entry in ClinVar:

NM_000089.4(COL1A2):c.586G>C (p.Gly196Arg)

Gene: COL1A2 (collagen type I alpha 2 chain; plus strand). Cytogenetic location: 7q21.3.
Variant type: single nucleotide variant.
Coding change: c.586G>C on transcript NM_000089.4 (MANE Select); coding-DNA position 586, G replaced by C.
Protein change: p.Gly196Arg; replaces glycine 196 with arginine.
Molecular consequence: missense variant.
Genome position (GRCh38, 1-based): chr7:94,406,295, G>C. VCF-style: chr7-94406295-G-C. GRCh37 (hg19) VCF-style: chr7-94035607-G-C.
Other names: short protein forms G196R.
Identifiers: ClinVar variation 1993479 (VCV001993479.4), dbSNP rs1057517953, ClinGen allele CA368220096.

ClinVar aggregate classification (germline): Pathogenic (1 of 4 stars; one submission).

Conditions:
Ehlers-Danlos syndrome, classic type, 1 (EDSCL1). Also called: EHLERS-DANLOS SYNDROME, GRAVIS TYPE; EHLERS-DANLOS SYNDROME, SEVERE CLASSIC TYPE; Ehlers-Danlos syndrome, type 1; EDS I; Ehlers-Danlos Syndrome, Classic Type, COL5A1-Related. Identifiers: MedGen C0268335, MONDO:0019567, OMIM 130000.
Osteogenesis imperfecta type I (OI1). Also called: OI, TYPE I; OSTEOGENESIS IMPERFECTA TARDA; OSTEOGENESIS IMPERFECTA WITH BLUE SCLERAE; Osteogenesis imperfecta type 1; Lobstein's Disease; Lobstein disease. Identifiers: Orphanet 216796, Orphanet 666, MedGen C0023931, MONDO:0008146, OMIM 166200. Disease mechanism: loss of function.

Submission:

Labcorp Genetics (formerly Invitae), Labcorp
Classification: Pathogenic for Osteogenesis imperfecta type I; Ehlers-Danlos syndrome, classic type, 1. Last evaluated: 2025-08-04. Review status: criteria provided, single submitter. Criteria: Invitae Variant Classification Sherloc (09022015). Collection method: clinical testing. Allele origin: germline.
Comment: This sequence change replaces glycine, which is neutral and non-polar, with arginine, which is basic and polar, at codon 196 of the COL1A2 protein (p.Gly196Arg). This variant is not present in population databases (gnomAD no frequency). This variant has not been reported in the literature in individuals affected with COL1A2-related conditions. ClinVar contains an entry for this variant (Variation ID: 1993479). Invitae Evidence Modeling of protein sequence and biophysical properties (such as structural, functional, and spatial information, amino acid conservation, physicochemical variation, residue mobility, and thermodynamic stability) indicates that this missense variant is expected to disrupt COL1A2 protein function with a positive predictive value of 95%. This variant disrupts the triple helix domain of COL1A2. Glycine residues within the Gly-Xaa-Yaa repeats of the triple helix domain are required for the structure and stability of fibrillar collagens (PMID: 7695699, 8218237, 19344236). In COL1A2, variants affecting these glycine residues are significantly enriched in individuals with disease (PMID: 9016532, 17078022) compared to the general population (ExAC). This variant disrupts the p.Gly196 amino acid residue in COL1A2. Other variant(s) that disrupt this residue have been observed in individuals with COL1A2-related conditions (PMID: 21667357, 22753364, 23692737), which suggests that this may be a clinically significant amino acid residue. For these reasons, this variant has been classified as Pathogenic.

Literature cited by the submitters: PubMed 7695699; PubMed 8218237; PubMed 19344236; PubMed 9016532; PubMed 17078022; PubMed 21667357; PubMed 22753364; PubMed 23692737.